The following is an entry in ClinVar:

NM_000258.3(MYL3):c.283G>T (p.Val95Phe)

Gene: MYL3 (myosin light chain 3; minus strand). Cytogenetic location: 3p21.31.
Variant type: single nucleotide variant.
Coding change: c.283G>T on transcript NM_000258.3 (MANE Select); coding-DNA position 283, G replaced by T.
Protein change: p.Val95Phe; replaces valine 95 with phenylalanine.
Molecular consequence: missense variant.
Genome position (GRCh38, 1-based): chr3:46,860,700, C>A on the plus strand (G>T on the coding strand, the complement: MYL3 is on the minus strand). VCF-style: chr3-46860700-C-A. GRCh37 (hg19) VCF-style: chr3-46902190-C-A.
Other names: short protein forms V95F.
Identifiers: ClinVar variation 524976 (VCV000524976.1), dbSNP rs1553639921, ClinGen allele CA352497866.

ClinVar aggregate classification (germline): Uncertain significance (1 of 4 stars; one submission).

Conditions:
Hypertrophic cardiomyopathy. Also called: HYPERTROPHIC MYOCARDIOPATHY. Identifiers: Orphanet 217569, MedGen C0007194, MeSH D002312, MONDO:0005045, HP:0001639.

Submission:

Labcorp Genetics (formerly Invitae), Labcorp
Classification: Uncertain significance for Hypertrophic cardiomyopathy. Last evaluated: 2017-10-27. Review status: criteria provided, single submitter. Criteria: Invitae Variant Classification Sherloc (09022015). Collection method: clinical testing. Allele origin: germline.
Comment: This sequence change replaces valine with phenylalanine at codon 95 of the MYL3 protein (p.Val95Phe). The valine residue is moderately conserved and there is a small physicochemical difference between valine and phenylalanine. This variant is not present in population databases (ExAC no frequency). This variant has not been reported in the literature in individuals with MYL3-related disease. Algorithms developed to predict the effect of missense changes on protein structure and function do not agree on the potential impact of this missense change (SIFT: "Deleterious"; PolyPhen-2: "Possibly Damaging"; Align-GVGD: "Class C0"). In summary, the available evidence is currently insufficient to determine the role of this variant in disease. Therefore, it has been classified as a Variant of Uncertain Significance.